The following is an entry in ClinVar:

NM_000094.4(COL7A1):c.3803T>G (p.Val1268Gly)

Gene: COL7A1 (collagen type VII alpha 1 chain; minus strand). Cytogenetic location: 3p21.31.
Variant type: single nucleotide variant.
Coding change: c.3803T>G on transcript NM_000094.4 (MANE Select); coding-DNA position 3803, T replaced by G.
Protein change: p.Val1268Gly; replaces valine 1268 with glycine.
Molecular consequence: missense variant.
Genome position (GRCh38, 1-based): chr3:48,585,718, A>C on the plus strand (T>G on the coding strand, the complement: COL7A1 is on the minus strand). VCF-style: chr3-48585718-A-C. GRCh37 (hg19) VCF-style: chr3-48623151-A-C.
Other names: short protein forms V1268G.
Identifiers: ClinVar variation 1910424 (VCV001910424.4), dbSNP rs749211733, ClinGen allele CA352701582.

ClinVar aggregate classification (germline): Uncertain significance (1 of 4 stars; one submission).

gnomAD v4.1: 1 of 1,613,854 alleles (0.000062%); highest among the groups gnomAD compares: Non-Finnish European, 0.000085%; no homozygotes.

Submission:

Labcorp Genetics (formerly Invitae), Labcorp
Classification: Uncertain significance. Last evaluated: 2025-04-10. Review status: criteria provided, single submitter. Criteria: Invitae Variant Classification Sherloc (09022015). Collection method: clinical testing. Allele origin: germline.
Comment: This sequence change replaces valine, which is neutral and non-polar, with glycine, which is neutral and non-polar, at codon 1268 of the COL7A1 protein (p.Val1268Gly). This variant is not present in population databases (gnomAD no frequency). This variant has not been reported in the literature in individuals affected with COL7A1-related conditions. ClinVar contains an entry for this variant (Variation ID: 1910424). Invitae Evidence Modeling of protein sequence and biophysical properties (such as structural, functional, and spatial information, amino acid conservation, physicochemical variation, residue mobility, and thermodynamic stability) indicates that this missense variant is not expected to disrupt COL7A1 protein function with a negative predictive value of 95%. In summary, the available evidence is currently insufficient to determine the role of this variant in disease. Therefore, it has been classified as a Variant of Uncertain Significance.